The following is an entry in ClinVar:

NM_001205293.3(CACNA1E):c.1756T>C (p.Trp586Arg)

Gene: CACNA1E (calcium voltage-gated channel subunit alpha1 E; plus strand). Cytogenetic location: 1q25.3.
Variant type: single nucleotide variant.
Coding change: c.1756T>C on transcript NM_001205293.3 (MANE Select); coding-DNA position 1756, T replaced by C.
Protein change: p.Trp586Arg; replaces tryptophan 586 with arginine.
Molecular consequence: missense variant.
Genome position (GRCh38, 1-based): chr1:181,720,210, T>C. VCF-style: chr1-181720210-T-C. GRCh37 (hg19) VCF-style: chr1-181689346-T-C.
Other names: c.1756T>C, p.Trp586Arg (NM_000721.4, NM_001205294.2); short protein forms W586R.
Identifiers: ClinVar variation 5037148 (VCV005037148.1).

ClinVar aggregate classification (germline): Uncertain significance (1 of 4 stars; one submission).

Submission:

GeneDx
Classification: Uncertain significance. Last evaluated: 2026-04-13. Review status: criteria provided, single submitter. Criteria: GeneDx Variant Classification Process June 2021. Collection method: clinical testing. Allele origin: germline.
Comment: Not observed at significant frequency in large population cohorts (gnomAD); In silico analysis supports that this missense variant has a deleterious effect on protein structure/function; Has not been previously published as pathogenic or benign to our knowledge